The following is an entry in ClinVar:

ClinVar aggregate classification (germline): Uncertain significance (1 of 4 stars; one submission).

Conditions:
PKD1L1-related disorder. Also called: PKD1L1-related condition.

Submission:

PreventionGenetics, part of Exact Sciences
Classification: Uncertain significance for PKD1L1-related condition. Last evaluated: 2025-05-31. Review status: criteria provided, single submitter. Criteria: ACMG Guidelines, 2015. Collection method: clinical testing. Allele origin: germline.
Comment: The PKD1L1 c.5617C>G variant is predicted to result in the amino acid substitution p.Pro1873Ala. To our knowledge, this variant has not been reported in the literature or in a large population database (gnomAD), indicating this variant is rare. At this time, the clinical significance of this variant is uncertain due to the absence of conclusive functional and genetic evidence.

NM_138295.5(PKD1L1):c.5617C>G (p.Pro1873Ala)

Gene: PKD1L1 (polycystin 1 like 1, transient receptor potential channel interacting; minus strand). Cytogenetic location: 7p12.3.
Variant type: single nucleotide variant.
Coding change: c.5617C>G on transcript NM_138295.5 (MANE Select); coding-DNA position 5617, C replaced by G.
Protein change: p.Pro1873Ala; replaces proline 1873 with alanine.
Molecular consequence: missense variant.
Genome position (GRCh38, 1-based): chr7:47,839,598, G>C on the plus strand (C>G on the coding strand, the complement: PKD1L1 is on the minus strand). VCF-style: chr7-47839598-G-C. GRCh37 (hg19) VCF-style: chr7-47879196-G-C.
Other names: short protein forms P1873A.
Identifiers: ClinVar variation 4998017 (VCV004998017.1).
Genomic context (GRCh38, chr7:47,839,598, plus strand): 5'-AGAACCAGCCCTGTCCCGTGTGCAGCTCCTTCACCATCACGTGGCTGATGAACCAGCCTG[G>C]GGAAGGCCCACGGCTGTCGTGCCAGAGGCGGATCTTCCTCAGCAGGCCCAGTTGGGCAGG-3'
Protein context (NP_612152.1, residues 1863-1883): RLWHDSRGPS[Pro1873Ala]GWFISHVMVK